The following is an entry in ClinVar:

NM_001110556.2(FLNA):c.7628G>T (p.Cys2543Phe)

Genes: FLNA (filamin A; minus strand), LOC107988032 (Xq28 proximal FLNA-EMD recombination region; plus strand). Cytogenetic location: Xq28.
Variant type: single nucleotide variant.
Coding change: c.7628G>T on transcript NM_001110556.2 (MANE Select); coding-DNA position 7628, G replaced by T.
Protein change: p.Cys2543Phe; replaces cysteine 2543 with phenylalanine.
Molecular consequence: missense variant.
Genome position (GRCh38, 1-based): chrX:154,349,490, C>A on the plus strand (G>T on the coding strand, the complement: FLNA is on the minus strand). VCF-style: chrX-154349490-C-A. GRCh37 (hg19) VCF-style: chrX-153577858-C-A.
Other names: c.7604G>T, p.Cys2535Phe (NM_001456.4); short protein forms C2543F, C2535F.
Identifiers: ClinVar variation 2107975 (VCV002107975.4), dbSNP rs201762017, ClinGen allele CA415180474.

ClinVar aggregate classification (germline): Uncertain significance (1 of 4 stars; one submission).

Conditions:
Melnick-Needles syndrome (MNS). Also called: MELNICK-NEEDLES OSTEODYSPLASTY; OSTEODYSPLASTY OF MELNICK AND NEEDLES; Melnick-Needles Syndrome (FLNA-MNS). Identifiers: Orphanet 2484, MedGen C0025237, MONDO:0010650, OMIM 309350.
Heterotopia, periventricular, X-linked dominant (PVNH1). Also called: PERIVENTRICULAR NODULAR HETEROTOPIA 1; X-linked periventricular heterotopia; PERIVENTRICULAR NODULAR HETEROTOPIA 4; HETEROTOPIA, PERIVENTRICULAR, 1. Identifiers: Orphanet 2149, Orphanet 82004, MedGen C1848213, MONDO:0010233, OMIM 300049.
Frontometaphyseal dysplasia (FMD1). Identifiers: Orphanet 1826, MedGen C0265293, MONDO:0015942.
Oto-palato-digital syndrome, type II (OPD2). Also called: FACIOPALATOOSSEOUS SYNDROME; OPD II SYNDROME; Otopalatodigital Syndrome Type 2 (FLNA-OPD2); Otopalatodigital Syndrome, Type II. Identifiers: Orphanet 669, Orphanet 90652, MedGen C1844696, MONDO:0010571, OMIM 304120.

Submission:

Labcorp Genetics (formerly Invitae), Labcorp
Classification: Uncertain significance for Oto-palato-digital syndrome, type II; Heterotopia, periventricular, X-linked dominant; Frontometaphyseal dysplasia; Melnick-Needles syndrome. Last evaluated: 2022-04-23. Review status: criteria provided, single submitter. Criteria: Invitae Variant Classification Sherloc (09022015). Collection method: clinical testing. Allele origin: germline.
Comment: This sequence change replaces cysteine, which is neutral and slightly polar, with phenylalanine, which is neutral and non-polar, at codon 2535 of the FLNA protein (p.Cys2535Phe). This variant is not present in population databases (gnomAD no frequency). This variant has not been reported in the literature in individuals affected with FLNA-related conditions. Advanced modeling of protein sequence and biophysical properties (such as structural, functional, and spatial information, amino acid conservation, physicochemical variation, residue mobility, and thermodynamic stability) performed at Invitae indicates that this missense variant is not expected to disrupt FLNA protein function. Algorithms developed to predict the effect of sequence changes on RNA splicing suggest that this variant may create or strengthen a splice site. In summary, the available evidence is currently insufficient to determine the role of this variant in disease. Therefore, it has been classified as a Variant of Uncertain Significance.